The following is an entry in ClinVar:

NC_000005.9:g.(?_61602300)_(61681396_?)del

Gene: KIF2A (kinesin family member 2A; plus strand). Cytogenetic location: 5q12.1.
Variant type: Deletion.
Identifiers: ClinVar variation 1373514 (VCV001373514.4).

ClinVar aggregate classification (germline): Uncertain significance (1 of 4 stars; one submission).

Submission:

Labcorp Genetics (formerly Invitae), Labcorp
Classification: Uncertain significance. Last evaluated: 2023-08-17. Review status: criteria provided, single submitter. Criteria: Invitae Variant Classification Sherloc (09022015). Collection method: clinical testing. Allele origin: germline.
Comment: A gross deletion of the genomic region encompassing the full coding sequence of the KIF2A gene has been identified. The current clinical and genetic evidence is not sufficient to establish whether loss-of-function variants in KIF2A cause disease. The boundaries of this event are unknown as they extend beyond the assayed region for this gene and therefore may encompass additional genes. This variant has not been reported in the literature in individuals affected with KIF2A-related conditions. In summary, the available evidence is currently insufficient to determine the role of this variant in disease. Therefore, it has been classified as a Variant of Uncertain Significance.